The following is an entry in ClinVar:

ClinVar aggregate classification (germline): drug response. Review status: reviewed by expert panel (3 of 4 stars). 13 submissions from 12 submitters: drug response (2). 11 of the submissions do not count toward it. Last evaluated 2021-03-24.

Conditions:
DPYD-related disorder. Also called: DPYD-related condition.
fluorouracil response - Toxicity.
capecitabine response - Toxicity.
Dihydropyrimidine dehydrogenase deficiency (DPYDD). Also called: DPD DEFICIENCY; DPYD DEFICIENCY; Hereditary Thymine-Uraciluria. Identifiers: Orphanet 1675, MedGen C1959620, MONDO:0010130, OMIM 274270.

Allele frequency attached by ClinVar (database versions not stated): ESP Exome Variant Server 0.01492; gnomAD exomes 0.01929 and 0.01470; 1000 Genomes Project 0.00958; 1000 Genomes Project 30x 0.01093; TOPMed 0.01325; gnomAD 0.01373 and 0.01380; ExAC 0.01416.
gnomAD v4.1: 30,290 of 1,612,856 alleles (1.9%); highest among the groups gnomAD compares: Middle Eastern, 3.3%; 337 homozygotes.

Submissions (13):

ClinPGx
Classification: drug response for capecitabine response - Toxicity. Last evaluated: 2021-03-24. Review status: reviewed by expert panel. Criteria: Pharmacogenomics knowledge for personalized medicine. Collection method: curation. Allele origin: germline. Affected: yes.
Comment: PharmGKB Level of Evidence 1A: Level 1A clinical annotations describe variant-drug combinations that have variant-specific prescribing guidance available in a current clinical guideline annotation or an FDA-approved drug label annotation. Annotations of drug labels or clinical guidelines must give prescribing guidance for specific variants (e.g. CYP2C9*3, HLA-B*57:01) or provide mapping from defined allele functions to diplotypes and phenotypes to be used as supporting evidence for a level 1A clinical annotation. Level 1A clinical annotations must also be supported by at least one publication in addition to a clinical guideline or drug label with variant-specific prescribing guidance.

Drug is not necessarily used to treat response condition

ClinPGx
Classification: drug response for fluorouracil response - Toxicity. Last evaluated: 2021-03-24. Review status: reviewed by expert panel. Criteria: Pharmacogenomics knowledge for personalized medicine. Collection method: curation. Allele origin: germline. Affected: yes.
Comment: the same text as in the submission from ClinPGx above.

Genomic Medicine Center of Excellence, King Faisal Specialist Hospital and Research Centre
Classification: Likely benign for Dihydropyrimidine dehydrogenase deficiency. Last evaluated: 2025-07-30. Review status: criteria provided, single submitter. Criteria: ACMG Guidelines, 2015. Collection method: clinical testing. Allele origin: germline. Not counted in ClinVar's aggregate classification.

Blueprint Genetics
Classification: Likely benign. Last evaluated: 2024-11-26. Review status: criteria provided, single submitter. Criteria: ACMG Guidelines, 2015. Collection method: clinical testing. Allele origin: germline. Not counted in ClinVar's aggregate classification.

CeGaT Center for Human Genetics Tuebingen
Classification: Benign. Last evaluated: 2023-10-01. Review status: criteria provided, single submitter. Criteria: CeGaT Center For Human Genetics Tuebingen Variant Classification Criteria Version 2. Collection method: clinical testing. Allele origin: germline. Affected: yes. Observed: 2 variant alleles. Not counted in ClinVar's aggregate classification.
Comment: DPYD: BS1, BS2

GeneDx
Classification: Likely benign. Last evaluated: 2018-03-26. Review status: criteria provided, single submitter. Criteria: GeneDx Variant Classification (06012015). Collection method: clinical testing. Allele origin: germline. Affected: yes. Not counted in ClinVar's aggregate classification.
Comment: This variant is considered likely benign or benign based on one or more of the following criteria: it is a conservative change, it occurs at a poorly conserved position in the protein, it is predicted to be benign by multiple in silico algorithms, and/or has population frequency not consistent with disease.

Athena Diagnostics
Classification: Likely benign. Last evaluated: 2017-09-08. Review status: criteria provided, single submitter. Criteria: Athena Diagnostics Criteria. Collection method: clinical testing. Allele origin: germline. Not counted in ClinVar's aggregate classification.

Illumina Laboratory Services, Illumina
Classification: Uncertain significance for Dihydropyrimidine dehydrogenase deficiency. Last evaluated: 2017-04-27. Review status: criteria provided, single submitter. Criteria: ICSL Variant Classification Criteria 13 December 2019. Collection method: clinical testing. Allele origin: germline. Not counted in ClinVar's aggregate classification.
Comment: This variant was observed as part of a predisposition screen in an ostensibly healthy population. A literature search was performed for the gene, cDNA change, and amino acid change (where applicable). Publications were found based on this search. However, the evidence from the literature, in combination with allele frequency data from public databases where available, was not sufficient to rule this variant in or out of causing disease. Therefore, this variant is classified as a variant of unknown significance.

Eurofins Ntd Llc (ga)
Classification: Benign. Last evaluated: 2016-03-29. Review status: criteria provided, single submitter. Criteria: EGL Classification Definitions 2015. Collection method: clinical testing. Allele origin: germline. Observed: 2 variant alleles, 2 heterozygotes. Not counted in ClinVar's aggregate classification.

Genome Diagnostics Laboratory, University Medical Center Utrecht
Classification: Benign for Dihydropyrimidine dehydrogenase deficiency. Last evaluated: 2015-08-03. Review status: criteria provided, single submitter. Criteria: ACGS Guidelines, 2013. Collection method: clinical testing. Allele origin: germline. Affected: yes. Study: VKGL Data-share Consensus. Not counted in ClinVar's aggregate classification.

PreventionGenetics, part of Exact Sciences
Classification: Benign for DPYD-related condition. Last evaluated: 2024-02-21. Review status: no assertion criteria provided. Collection method: clinical testing. Allele origin: germline. Not counted in ClinVar's aggregate classification.
Comment: This variant is classified as benign based on ACMG/AMP sequence variant interpretation guidelines (Richards et al. 2015 PMID: 25741868, with internal and published modifications).

Diagnostic Laboratory, Department of Genetics, University Medical Center Groningen
Classification: Benign for Dihydropyrimidine dehydrogenase deficiency. Review status: no assertion criteria provided. Collection method: clinical testing. Allele origin: germline. Affected: yes. Study: VKGL Data-share Consensus. Not counted in ClinVar's aggregate classification.

Diasio Lab,  Mayo Clinic
No classification provided. Review status: no classification provided. Collection method: not provided. Allele origin: unknown. Not counted in ClinVar's aggregate classification.

Literature cited by the submitters: PubMed 19530960 (cited by ClinPGx); PubMed 21498394 (cited by ClinPGx and Athena Diagnostics); PubMed 23736036 (cited by ClinPGx and Athena Diagnostics); PubMed 24590654 (cited by ClinPGx); PubMed 24647007 (cited by ClinPGx); PubMed 24923815 (cited by ClinPGx and Athena Diagnostics); PubMed 26099996 (cited by ClinPGx); PubMed 26603945 (cited by ClinPGx and Athena Diagnostics); PubMed 27995989 (cited by ClinPGx); PubMed 28427087 (cited by ClinPGx and Athena Diagnostics); PubMed 28481884 (cited by ClinPGx); PubMed 29065426 (cited by ClinPGx); PubMed 30114658 (cited by ClinPGx); PubMed 14635116 (cited by ClinPGx and Athena Diagnostics); PubMed 15591715 (cited by ClinPGx and Athena Diagnostics); PubMed 18299612 (cited by ClinPGx and Athena Diagnostics); PubMed 19473056 (cited by ClinPGx and Athena Diagnostics); PubMed 26794347 (cited by ClinPGx); PubMed 27454530 (cited by Athena Diagnostics); PubMed 17563256 (cited by Athena Diagnostics); PubMed 28745575 (cited by Athena Diagnostics); PubMed 23139054 (cited by Athena Diagnostics); PubMed 20920994 (cited by Athena Diagnostics); PubMed 12360106 (cited by Athena Diagnostics); PubMed 23199091 (cited by Athena Diagnostics); PubMed 9721209 (cited by Athena Diagnostics); PubMed 10671643 (cited by Athena Diagnostics); PubMed 17046731 (cited by Athena Diagnostics); PubMed 18619742 (cited by Athena Diagnostics); PubMed 25410891 (cited by Athena Diagnostics); PubMed 26792652 (cited by Athena Diagnostics); PubMed 28237406 (cited by Athena Diagnostics); PubMed 28128059 (cited by Athena Diagnostics); PubMed 28295243 (cited by Athena Diagnostics); PubMed 28262261 (cited by Athena Diagnostics); PubMed 24648345 (cited by Athena Diagnostics); PubMed 23988873 (cited by Athena Diagnostics); PubMed 20981092 (cited by Athena Diagnostics); PubMed 27884173 (cited by Athena Diagnostics); PubMed 21228398 (cited by Athena Diagnostics); PubMed 22995991 (cited by Athena Diagnostics); PubMed 26804652 (cited by Athena Diagnostics); PubMed 11875367 (cited by Athena Diagnostics); PubMed 23328581 (cited by Athena Diagnostics and Illumina Laboratory Services, Illumina); PubMed 16115930 (cited by Athena Diagnostics); PubMed 25087612 (cited by Athena Diagnostics); PubMed 26804235 (cited by Athena Diagnostics); PubMed 26265346 (cited by Athena Diagnostics); PubMed 19287123 (cited by Athena Diagnostics); PubMed 18006695 (cited by Athena Diagnostics); PubMed 18937829 (cited by Athena Diagnostics); PubMed 28395758 (cited by Athena Diagnostics); PubMed 26716401 (cited by Athena Diagnostics); PubMed 26621101 (cited by Athena Diagnostics); PubMed 28027897 (cited by Athena Diagnostics); PubMed 24434920 (cited by Athena Diagnostics); PubMed 28572524 (cited by Athena Diagnostics); PubMed 28024938 (cited by Athena Diagnostics); PubMed 26894782 (cited by Athena Diagnostics); PubMed 18452418 (cited by Athena Diagnostics); PubMed 26265035 (cited by Athena Diagnostics); PubMed 10803677 (cited by Athena Diagnostics); PubMed 27701067 (cited by Athena Diagnostics); PubMed 27544765 (cited by Athena Diagnostics); PubMed 27248859 (cited by Athena Diagnostics); PubMed 19104657 (cited by Illumina Laboratory Services, Illumina).

NM_000110.4(DPYD):c.1601G>A (p.Ser534Asn)

Gene: DPYD (dihydropyrimidine dehydrogenase; minus strand). Cytogenetic location: 1p21.3.
Variant type: single nucleotide variant.
Coding change: c.1601G>A on transcript NM_000110.4 (MANE Select); coding-DNA position 1601, G replaced by A.
Protein change: p.Ser534Asn; replaces serine 534 with asparagine.
Molecular consequence: missense variant.
Genome position (GRCh38, 1-based): chr1:97,515,865, C>T on the plus strand (G>A on the coding strand, the complement: DPYD is on the minus strand). VCF-style: chr1-97515865-C-T. GRCh37 (hg19) VCF-style: chr1-97981421-C-T.
Other names: short protein forms S534N.
Identifiers: ClinVar variation 100094 (VCV000100094.59), dbSNP rs1801158, ClinGen allele CA228124.